The following is an entry in ClinVar:

NM_198578.4(LRRK2):c.4810T>C (p.Cys1604Arg)

Gene: LRRK2 (leucine rich repeat kinase 2; plus strand). Cytogenetic location: 12q12.
Variant type: single nucleotide variant.
Coding change: c.4810T>C on transcript NM_198578.4 (MANE Select); coding-DNA position 4810, T replaced by C.
Protein change: p.Cys1604Arg; replaces cysteine 1604 with arginine.
Molecular consequence: missense variant.
Genome position (GRCh38, 1-based): chr12:40,315,283, T>C. VCF-style: chr12-40315283-T-C. GRCh37 (hg19) VCF-style: chr12-40709085-T-C.
Other names: short protein forms C1604R.
Identifiers: ClinVar variation 1743286 (VCV001743286.2), dbSNP rs2499853190, ClinGen allele CA384419334.

ClinVar aggregate classification (germline): Uncertain significance (1 of 4 stars; one submission).

Conditions:
Inborn genetic diseases. Identifiers: MedGen C0950123, MeSH D030342.

Submission:

Ambry Genetics
Classification: Uncertain significance for Inborn genetic diseases. Last evaluated: 2021-11-21. Review status: criteria provided, single submitter. Criteria: Ambry Variant Classification Scheme 2023. Collection method: clinical testing. Allele origin: germline.
Comment: The p.C1604R variant (also known as c.4810T>C), located in coding exon 33 of the LRRK2 gene, results from a T to C substitution at nucleotide position 4810. The cysteine at codon 1604 is replaced by arginine, an amino acid with highly dissimilar properties. This amino acid position is conserved. In addition, this alteration is predicted to be deleterious by in silico analysis. Since supporting evidence is limited at this time, the clinical significance of this alteration remains unclear.